The following is an entry in ClinVar:

NM_000548.5(TSC2):c.2356-15T>A

Gene: TSC2 (TSC complex subunit 2; plus strand). Cytogenetic location: 16p13.3.
Variant type: single nucleotide variant.
Coding change: c.2356-15T>A on transcript NM_000548.5 (MANE Select); 15 bases into the intron before coding-DNA position 2356, T replaced by A.
Molecular consequence: intron variant.
Genome position (GRCh38, 1-based): chr16:2,074,185, T>A. VCF-style: chr16-2074185-T-A. GRCh37 (hg19) VCF-style: chr16-2124186-T-A.
Other names: c.2356-15T>A (NM_001114382.3, NM_021055.3, NM_001370405.1 and 3 more transcripts); c.2245-15T>A (NM_001318827.2); c.1756-15T>A (NM_001318831.2); c.2209-15T>A (NM_001318829.2); c.2389-15T>A (NM_001318832.2).
Identifiers: ClinVar variation 207670 (VCV000207670.19), dbSNP rs189674303, ClinGen allele CA038667.
Genomic context (GRCh38, chr16:2,074,185, plus strand): 5'-TCGAGGTTGGCGAGGGGTAGGCGAGGCTGCCTCTGCTGCAAGCGGGTGGGGCCTGAGGTG[T>A]CCTGTCTCCTGCAGCGCGAGATGGTCTACTGCCTGGAGCAGGGCCTCATCCACCGCTGTG-3'

ClinVar aggregate classification (germline): Conflicting classifications of pathogenicity. Review status: criteria provided, conflicting classifications (1 of 4 stars). 9 submissions from 9 submitters: Uncertain significance (1); Benign (5); Likely benign (3). Last evaluated 2026-01-27.

Conditions:
Tuberous sclerosis syndrome (TSC). Also called: Tuberous Sclerosis Complex; Tuberous sclerosis. Identifiers: Orphanet 805, MedGen C0041341, MONDO:0001734.
Tuberous sclerosis 2 (TSC2). Identifiers: Orphanet 805, MedGen C1860707, MONDO:0013199, OMIM 613254.

Allele frequency attached by ClinVar (database versions not stated): gnomAD exomes 0.00005 and 0.00015; ESP Exome Variant Server 0.00008; TOPMed 0.00009; ExAC 0.00015; gnomAD 0.00015 and 0.00016; 1000 Genomes Project 30x 0.00016; 1000 Genomes Project 0.00020.
gnomAD v4.1: 92 of 1,610,442 alleles (0.0057%); highest among the groups gnomAD compares: Admixed American, 0.095%; no homozygotes.

Submissions (9):

Labcorp Genetics (formerly Invitae), Labcorp
Classification: Benign for Tuberous sclerosis 2. Last evaluated: 2026-01-27. Review status: criteria provided, single submitter. Criteria: Invitae Variant Classification Sherloc (09022015). Collection method: clinical testing. Allele origin: germline.

Myriad Genetics, Inc.
Classification: Likely benign for Tuberous sclerosis 2. Last evaluated: 2025-05-19. Review status: criteria provided, single submitter. Criteria: Myriad Autosomal Dominant, Autosomal Recessive and X-Linked Classification Criteria (2023). Collection method: clinical testing. Allele origin: unknown.
Comment: This variant is considered likely benign. This variant is intronic and is not expected to impact mRNA splicing. Homozygosity has been confirmed in one or more individuals. As homozygosity for pathogenic variants in this gene is generally assumed to result in embryonic lethality, this variant is unlikely to be pathogenic.

Blueprint Genetics
Classification: Likely benign. Last evaluated: 2024-10-08. Review status: criteria provided, single submitter. Criteria: ACMG Guidelines, 2015. Collection method: clinical testing. Allele origin: germline.

All of Us Research Program, National Institutes of Health
Classification: Benign for Tuberous sclerosis syndrome. Last evaluated: 2024-02-05. Review status: criteria provided, single submitter. Criteria: ACMG Guidelines, 2015. Collection method: clinical testing. Allele origin: germline. Inheritance: Autosomal dominant inheritance. Observed: 27 variant alleles, 27 heterozygotes.
Comment: This study involves interpretation of variants in research participants for the purpose of population health screening. Participant phenotype was not available at the time of variant classification. Additional details can be found in publication PMID: 35346344, PMCID: PMC8962531

Color Diagnostics, LLC DBA Color Health
Classification: Benign for Tuberous sclerosis syndrome. Last evaluated: 2022-11-22. Review status: criteria provided, single submitter. Criteria: ACMG Guidelines, 2015. Collection method: clinical testing. Allele origin: germline.

ARUP Laboratories, Molecular Genetics and Genomics, ARUP Laboratories
Classification: Uncertain significance. Last evaluated: 2022-07-22. Review status: criteria provided, single submitter. Criteria: ARUP Molecular Germline Variant Investigation Process 2021. Collection method: clinical testing. Allele origin: germline.
Comment: The TSC2 c.2356-15T>A variant (rs189674303), to our knowledge, is not reported in the medical literature but is reported in ClinVar (Variation ID: 207670). This variant is found in the Latino/Admixed American population with an allele frequency of 0.093% (33/35398 alleles) in the Genome Aggregation Database. This is an intronic variant in a weakly conserved nucleotide, but computational analyses (Alamut v.1.5.1) predict that this variant may impact splicing by weakening the nearby canonical acceptor splice site. However, without functional studies the effect on splicing is unknown. While the population frequency suggests that this is likely a benign variant, given the lack of clinical and functional data, the significance of this variant is uncertain at this time.

Genome-Nilou Lab
Classification: Benign for Tuberous sclerosis 2. Last evaluated: 2021-11-07. Review status: criteria provided, single submitter. Criteria: ACMG Guidelines, 2015. Collection method: clinical testing. Allele origin: germline. Affected: no.

Illumina Laboratory Services, Illumina
Classification: Likely benign for Tuberous sclerosis syndrome. Last evaluated: 2018-01-13. Review status: criteria provided, single submitter. Criteria: ICSL Variant Classification Criteria 13 December 2019. Collection method: clinical testing. Allele origin: germline.
Comment: This variant was observed in the ICSL laboratory as part of a predisposition screen in an ostensibly healthy population. It had not been previously curated by ICSL or reported in the Human Gene Mutation Database (HGMD: prior to June 1st, 2018), and was therefore a candidate for classification through an automated scoring system. Utilizing variant allele frequency, disease prevalence and penetrance estimates, and inheritance mode, an automated score was calculated to assess if this variant is too frequent to cause the disease. Based on the score and internal cut-off values, a variant classified as likely benign is not then subjected to further curation. The score for this variant resulted in a classification of likely benign for this disease.

GeneDx
Classification: Benign. Last evaluated: 2015-01-09. Review status: criteria provided, single submitter. Criteria: GeneDx Variant Classification (06012015). Collection method: clinical testing. Allele origin: germline. Affected: yes.
Comment: This variant is considered likely benign or benign based on one or more of the following criteria: it is a conservative change, it occurs at a poorly conserved position in the protein, it is predicted to be benign by multiple in silico algorithms, and/or has population frequency not consistent with disease.